The following is an entry in ClinVar:

ClinVar aggregate classification (germline): Benign/Likely benign. Review status: criteria provided, multiple submitters, no conflicts (2 of 4 stars). 4 submissions from 4 submitters: Benign (1); Likely benign (3). Last evaluated 2024-12-17.

Conditions:
Hereditary nonpolyposis colorectal neoplasms. Identifiers: MedGen C0009405, MeSH D003123.
Hereditary cancer-predisposing syndrome. Also called: Neoplastic Syndromes, Hereditary; Tumor predisposition; Hereditary Cancer Syndrome; Hereditary neoplastic syndrome. Identifiers: Orphanet 140162, MedGen C0027672, MeSH D009386, MONDO:0015356.
Lynch syndrome 5 (LYNCH5). Also called: Colorectal cancer, hereditary nonpolyposis, type 5; Hereditary non-polyposis colorectal cancer, type 5. Identifiers: Orphanet 144, MedGen C1833477, MONDO:0013710, OMIM 614350. Disease mechanism: loss of function.

Allele frequency attached by ClinVar (database versions not stated): gnomAD exomes below 0.00001; TOPMed 0.00001.
gnomAD v4.1: 1 of 1,611,982 alleles (0.000062%); highest among the groups gnomAD compares: Non-Finnish European, 0.000085%; no homozygotes.

Submissions (4):

Myriad Genetics, Inc.
Classification: Benign for Lynch syndrome 5. Last evaluated: 2024-12-17. Review status: criteria provided, single submitter. Criteria: Myriad Autosomal Dominant, Autosomal Recessive and X-Linked Classification Criteria (2023). Collection method: clinical testing. Allele origin: unknown.
Comment: This variant is considered benign. This variant is a silent/synonymous amino acid change and it is not expected to impact splicing.

Labcorp Genetics (formerly Invitae), Labcorp
Classification: Likely benign for Hereditary nonpolyposis colorectal neoplasms. Last evaluated: 2024-03-01. Review status: criteria provided, single submitter. Criteria: Invitae Variant Classification Sherloc (09022015). Collection method: clinical testing. Allele origin: germline.

Color Diagnostics, LLC DBA Color Health
Classification: Likely benign for Hereditary cancer-predisposing syndrome. Last evaluated: 2019-08-13. Review status: criteria provided, single submitter. Criteria: ACMG Guidelines, 2015. Collection method: clinical testing. Allele origin: germline.

Ambry Genetics
Classification: Likely benign for Hereditary cancer-predisposing syndrome. Last evaluated: 2016-01-07. Review status: criteria provided, single submitter. Criteria: Ambry Variant Classification Scheme 2023. Collection method: clinical testing. Allele origin: germline.

NM_000179.3(MSH6):c.75C>T (p.Ala25=)

Gene: MSH6 (mutS homolog 6; plus strand). Cytogenetic location: 2p16.3.
Variant type: single nucleotide variant.
Coding change: c.75C>T on transcript NM_000179.3 (MANE Select); coding-DNA position 75, C replaced by T.
Protein change: p.Ala25=; no amino-acid change (alanine 25 retained).
Molecular consequence: synonymous variant. On other transcripts: 5 prime UTR variant (1).
Genome position (GRCh38, 1-based): chr2:47,783,308, C>T. VCF-style: chr2-47783308-C-T. GRCh37 (hg19) VCF-style: chr2-48010447-C-T.
Other names: c.75C>T, p.Ala25= (NM_001281492.2); c.-662C>T (NM_001281493.2).
Identifiers: ClinVar variation 483761 (VCV000483761.11), dbSNP rs1045981031, ClinGen allele CA46687833.
Genomic context (GRCh38, chr2:47,783,308, plus strand): 5'-CACCCTGTACAGCTTCTTCCCCAAGTCTCCGGCGCTGAGTGATGCCAACAAGGCCTCGGC[C>T]AGGGCCTCACGCGAAGGCGGCCGTGCCGCCGCTGCCCCCGGGGCCTCTCCTTCCCCAGGC-3'
Protein context (NP_000170.1, residues 15-35): PALSDANKAS[Ala25=]RASREGGRAA